The following is an entry in ClinVar:

ClinVar aggregate classification (germline): Uncertain significance (1 of 4 stars; one submission).

Conditions:
Methylmalonic acidemia due to methylmalonyl-CoA epimerase deficiency. Also called: Methylmalonyl-CoA Epimerase Deficiency; METHYLMALONIC ACIDURIA III; METHYLMALONYL-CoA RACEMASE DEFICIENCY. Identifiers: Orphanet 308425, MedGen C1855100, MONDO:0009615, OMIM 251120.

Submission:

Labcorp Genetics (formerly Invitae), Labcorp
Classification: Uncertain significance for Methylmalonic acidemia due to methylmalonyl-CoA epimerase deficiency. Last evaluated: 2024-04-17. Review status: criteria provided, single submitter. Criteria: Invitae Variant Classification Sherloc (09022015). Collection method: clinical testing. Allele origin: germline.
Comment: This sequence change replaces isoleucine, which is neutral and non-polar, with asparagine, which is neutral and polar, at codon 142 of the MCEE protein (p.Ile142Asn). This variant is not present in population databases (gnomAD no frequency). This variant has not been reported in the literature in individuals affected with MCEE-related conditions. ClinVar contains an entry for this variant (Variation ID: 1721139). An algorithm developed to predict the effect of missense changes on protein structure and function (PolyPhen-2) suggests that this variant is likely to be disruptive. In summary, the available evidence is currently insufficient to determine the role of this variant in disease. Therefore, it has been classified as a Variant of Uncertain Significance.

NM_032601.4(MCEE):c.425T>A (p.Ile142Asn)

Gene: MCEE (methylmalonyl-CoA epimerase; minus strand). Cytogenetic location: 2p13.3.
Variant type: single nucleotide variant.
Coding change: c.425T>A on transcript NM_032601.4 (MANE Select); coding-DNA position 425, T replaced by A.
Protein change: p.Ile142Asn; replaces isoleucine 142 with asparagine.
Molecular consequence: missense variant.
Genome position (GRCh38, 1-based): chr2:71,110,076, A>T on the plus strand (T>A on the coding strand, the complement: MCEE is on the minus strand). VCF-style: chr2-71110076-A-T. GRCh37 (hg19) VCF-style: chr2-71337206-A-T.
Other names: short protein forms I142N.
Identifiers: ClinVar variation 1721139 (VCV001721139.5), dbSNP rs2465893020, ClinGen allele CA347180699.
Genomic context (GRCh38, chr2:71,110,076, plus strand): 5'-TGGAGAAAAATCACTGGTTTTCCATGTGCTCCTATTTTGACCTCTTCACTTAGACTGCGG[A>T]TCTTCTTTTTTTTCAAATCCATCACAGCTGCATTAATATTATCCACCTTAAGAAAGGGAA-3'
Protein context (NP_115990.3, residues 132-152): AAVMDLKKKK[Ile142Asn]RSLSEEVKIG